The following is an entry in ClinVar:

NM_000059.4(BRCA2):c.7108A>G (p.Lys2370Glu)

Gene: BRCA2 (BRCA2 DNA repair associated; plus strand). Cytogenetic location: 13q13.1.
Variant type: single nucleotide variant.
Coding change: c.7108A>G on transcript NM_000059.4 (MANE Select); coding-DNA position 7108, A replaced by G.
Protein change: p.Lys2370Glu; replaces lysine 2370 with glutamic acid.
Molecular consequence: missense variant. On other transcripts: non-coding transcript variant (1).
Genome position (GRCh38, 1-based): chr13:32,354,961, A>G. VCF-style: chr13-32354961-A-G. GRCh37 (hg19) VCF-style: chr13-32929098-A-G.
Other names: c.7012A>G, p.Lys2338Glu (NM_001406719.1); c.7108A>G, p.Lys2370Glu (NM_001406720.1); c.2176A>G, p.Lys726Glu (NM_001406721.1); c.691A>G, p.Lys231Glu (NM_001406722.1); short protein forms K2338E, K231E, K726E, K2370E.
Identifiers: ClinVar variation 2451539 (VCV002451539.2), dbSNP rs2548540113, ClinGen allele CA387738610.
Genomic context (GRCh38, chr13:32,354,961, plus strand): 5'-ACCGCACCTGGTCAAGAATTTCTGTCTAAATCTCATTTGTATGAACATCTGACTTTGGAA[A>G]AATCTTCAAGCAATTTAGCAGTTTCAGGACATCCATTTTATCAAGTTTCTGCTACAAGAA-3'
Protein context (NP_000050.3, residues 2360-2380): SHLYEHLTLE[Lys2370Glu]SSSNLAVSGH

ClinVar aggregate classification (germline): Uncertain significance (1 of 4 stars; one submission).

Conditions:
Hereditary cancer-predisposing syndrome. Also called: Neoplastic Syndromes, Hereditary; Tumor predisposition; Hereditary neoplastic syndrome; Hereditary Cancer Syndrome. Identifiers: Orphanet 140162, MedGen C0027672, MeSH D009386, MONDO:0015356.

Submission:

Ambry Genetics
Classification: Uncertain significance for Hereditary cancer-predisposing syndrome. Last evaluated: 2023-01-27. Review status: criteria provided, single submitter. Criteria: Ambry Variant Classification Scheme 2023. Collection method: clinical testing. Allele origin: germline.
Comment: The p.K2370E variant (also known as c.7108A>G), located in coding exon 13 of the BRCA2 gene, results from an A to G substitution at nucleotide position 7108. The lysine at codon 2370 is replaced by glutamic acid, an amino acid with similar properties. This amino acid position is not well conserved in available vertebrate species. In addition, the in silico prediction for this alteration is inconclusive. Since supporting evidence is limited at this time, the clinical significance of this alteration remains unclear.